The following is an entry in ClinVar:

NM_172364.5(CACNA2D4):c.318G>C (p.Lys106Asn)

Gene: CACNA2D4 (calcium voltage-gated channel auxiliary subunit alpha2delta 4; minus strand). Cytogenetic location: 12p13.33.
Variant type: single nucleotide variant.
Coding change: c.318G>C on transcript NM_172364.5 (MANE Select); coding-DNA position 318, G replaced by C.
Protein change: p.Lys106Asn; replaces lysine 106 with asparagine.
Molecular consequence: missense variant.
Genome position (GRCh38, 1-based): chr12:1,913,131, C>G on the plus strand (G>C on the coding strand, the complement: CACNA2D4 is on the minus strand). VCF-style: chr12-1913131-C-G. GRCh37 (hg19) VCF-style: chr12-2022297-C-G.
Other names: short protein forms K106N.
Identifiers: ClinVar variation 4802936 (VCV004802936.1).
Genomic context (GRCh38, chr12:1,913,131, plus strand): 5'-GAACTTCCTCACCAGCTCCAAGCCATCCACCTCCTCGATCTTCAGACTGGACTCCACATC[C>G]TTGTACTTCTGTTTGGGGAAAGTGGGAGAGATGCGTGCATGTGGTTTTGTACCAGGATAG-3'
Protein context (NP_758952.4, residues 96-116): SGSLLLQKKY[Lys106Asn]DVESSLKIEE

ClinVar aggregate classification (germline): Uncertain significance (1 of 4 stars; one submission).

gnomAD v4.1: 4 of 1,611,682 alleles (0.00025%); highest among the groups gnomAD compares: Non-Finnish European, 0.00034%; no homozygotes.

Submission:

Labcorp Genetics (formerly Invitae), Labcorp
Classification: Uncertain significance. Last evaluated: 2025-06-24. Review status: criteria provided, single submitter. Criteria: Invitae Variant Classification Sherloc (09022015). Collection method: clinical testing. Allele origin: germline.
Comment: This sequence change replaces lysine, which is basic and polar, with asparagine, which is neutral and polar, at codon 106 of the CACNA2D4 protein (p.Lys106Asn). This variant is not present in population databases (gnomAD no frequency). This variant has not been reported in the literature in individuals affected with CACNA2D4-related conditions. An algorithm developed to predict the effect of missense changes on protein structure and function (PolyPhen-2) suggests that this variant is likely to be disruptive. In summary, the available evidence is currently insufficient to determine the role of this variant in disease. Therefore, it has been classified as a Variant of Uncertain Significance.